The following is an entry in ClinVar:

ClinVar aggregate classification (germline): Uncertain significance. Review status: criteria provided, multiple submitters, no conflicts (2 of 4 stars). 2 submissions from 2 submitters: Uncertain significance (2). Last evaluated 2025-08-01.

Conditions:
Glanzmann thrombasthenia 1 (GT1). Also called: BLEEDING DISORDER, PLATELET-TYPE, 2; GP IIb-IIIa COMPLEX DEFICIENCY; GLYCOPROTEIN COMPLEX IIb-IIIa DEFICIENCY; PLATELET FIBRINOGEN RECEPTOR DEFICIENCY. Identifiers: MedGen CN300358, MONDO:0031332, OMIM 273800.
Glanzmann thrombasthenia. Also called: PLATELET GLYCOPROTEIN IIb-IIIa DEFICIENCY; Thrombasthenia; THROMBASTHENIA OF GLANZMANN AND NAEGELI; Glanzmann's thrombasthenia. Identifiers: Orphanet 849, MedGen C0040015, MONDO:0100326.

Allele frequency attached by ClinVar (database versions not stated): gnomAD exomes 0.00003; gnomAD 0.00005; TOPMed 0.00003; ExAC 0.00014.
gnomAD v4.1: 57 of 1,613,184 alleles (0.0035%); highest among the groups gnomAD compares: Middle Eastern, 0.082%; 1 homozygote.

Submissions (2):

Labcorp Genetics (formerly Invitae), Labcorp
Classification: Uncertain significance for Glanzmann thrombasthenia. Last evaluated: 2025-08-01. Review status: criteria provided, single submitter. Criteria: Invitae Variant Classification Sherloc (09022015). Collection method: clinical testing. Allele origin: germline.
Comment: This sequence change replaces glutamic acid, which is acidic and polar, with lysine, which is basic and polar, at codon 106 of the ITGA2B protein (p.Glu106Lys). This variant is present in population databases (rs775401384, gnomAD 0.01%). This variant has not been reported in the literature in individuals affected with ITGA2B-related conditions. ClinVar contains an entry for this variant (Variation ID: 2731059). Invitae Evidence Modeling of protein sequence and biophysical properties (such as structural, functional, and spatial information, amino acid conservation, physicochemical variation, residue mobility, and thermodynamic stability) has been performed for this missense variant. However, the output from this modeling did not meet the statistical confidence thresholds required to predict the impact of this variant on ITGA2B protein function. In summary, the available evidence is currently insufficient to determine the role of this variant in disease. Therefore, it has been classified as a Variant of Uncertain Significance.

Genomic Medicine Center of Excellence, King Faisal Specialist Hospital and Research Centre
Classification: Uncertain significance for Glanzmann thrombasthenia 1. Last evaluated: 2024-04-04. Review status: criteria provided, single submitter. Criteria: ACMG Guidelines, 2015. Collection method: clinical testing. Allele origin: germline.

NM_000419.5(ITGA2B):c.316G>A (p.Glu106Lys)

Gene: ITGA2B (integrin subunit alpha 2b; minus strand). Cytogenetic location: 17q21.31.
Variant type: single nucleotide variant.
Coding change: c.316G>A on transcript NM_000419.5 (MANE Select); coding-DNA position 316, G replaced by A.
Protein change: p.Glu106Lys; replaces glutamic acid 106 with lysine.
Molecular consequence: missense variant.
Genome position (GRCh38, 1-based): chr17:44,385,916, C>T on the plus strand (G>A on the coding strand, the complement: ITGA2B is on the minus strand). VCF-style: chr17-44385916-C-T. GRCh37 (hg19) VCF-style: chr17-42463284-C-T.
Other names: short protein forms E106K.
Identifiers: ClinVar variation 2731059 (VCV002731059.4), dbSNP rs775401384, ClinGen allele CA8603487.
Genomic context (GRCh38, chr17:44,385,916, plus strand): 5'-CCCCCAGTCCTTGGCGGGCCTTGAAGGTTTGTAAAGTTTGGGAGCCTACATTTCGGGTCT[C>T]ATCACCTGGAAGGCACAAGAAGGGGTGGGGCGCTGAAGCCCGGCAGTCCACGTCCCTCTG-3'
Protein context (NP_000410.2, residues 96-116): CPSLLFDLRD[Glu106Lys]TRNVGSQTLQ